The following is an entry in ClinVar:

ClinVar aggregate classification (germline): Likely pathogenic (1 of 4 stars; one submission).

Conditions:
Dilated cardiomyopathy 1G (CMD1G). Identifiers: Orphanet 154, MedGen C1858763, MONDO:0011400, OMIM 604145.
Autosomal recessive limb-girdle muscular dystrophy type 2J (LGMDR10). Also called: Limb-girdle muscular dystrophy, type 2J; MUSCULAR DYSTROPHY, LIMB-GIRDLE, AUTOSOMAL RECESSIVE 10. Identifiers: Orphanet 140922, MedGen C1837342, MONDO:0012127, OMIM 608807.

Submission:

Labcorp Genetics (formerly Invitae), Labcorp
Classification: Likely pathogenic for Dilated cardiomyopathy 1G; Autosomal recessive limb-girdle muscular dystrophy type 2J. Last evaluated: 2019-08-23. Review status: criteria provided, single submitter. Criteria: Invitae Variant Classification Sherloc (09022015). Collection method: clinical testing. Allele origin: germline.
Comment: In summary, the currently available evidence indicates that the variant is pathogenic, but additional data are needed to prove that conclusively. Therefore, this variant has been classified as Likely Pathogenic. This variant is located in the A band of TTN (PMID: 25589632). Truncating variants in this region are significantly overrepresented in patients affected with dilated cardiomyopathy (PMID: 25589632). Truncating variants in this region have also been reported in individuals affected with autosomal recessive centronuclear myopathy (PMID: 23975875). This variant has not been reported in the literature in individuals with TTN-related conditions. This variant is not present in population databases (ExAC no frequency). This sequence change results in a premature translational stop signal in the TTN gene (p.Trp29284*). While this is not anticipated to result in nonsense mediated decay, it is expected to create a truncated TTN protein.

Literature cited by the submitters: PubMed 25589632; PubMed 23975875.

NM_001267550.2(TTN):c.87852G>A (p.Trp29284Ter)

Genes: TTN (titin; minus strand), TTN-AS1 (TTN antisense RNA 1; plus strand). Cytogenetic location: 2q31.2.
Variant type: single nucleotide variant.
Coding change: c.87852G>A on transcript NM_001267550.2 (MANE Select); coding-DNA position 87852, G replaced by A.
Protein change: p.Trp29284Ter; replaces tryptophan 29284 with a stop codon.
Molecular consequence: nonsense.
Genome position (GRCh38, 1-based): chr2:178,557,410, C>T on the plus strand (G>A on the coding strand, the complement: TTN is on the minus strand). VCF-style: chr2-178557410-C-T. GRCh37 (hg19) VCF-style: chr2-179422137-C-T.
Other names: c.82929G>A, p.Trp27643Ter (NM_001256850.1); c.60657G>A, p.Trp20219Ter (NM_003319.4); c.80148G>A, p.Trp26716Ter (NM_133378.4); c.61032G>A, p.Trp20344Ter (NM_133432.3); c.61233G>A, p.Trp20411Ter (NM_133437.4); short protein forms W20344*, W29284*, W20219*, W20411*, W26716*, W27643*.
Identifiers: ClinVar variation 953446 (VCV000953446.10), dbSNP rs1701925645, ClinGen allele CA349533747.